The following is an entry in ClinVar:

ClinVar aggregate classification (germline): Uncertain significance. Review status: criteria provided, multiple submitters, no conflicts (2 of 4 stars). 2 submissions from 2 submitters: Uncertain significance (2). Last evaluated 2025-08-11.

Conditions:
Cardiovascular phenotype. Identifiers: MedGen CN230736.
Naxos disease (NXD). Also called: WOOLLY HAIR, PALMOPLANTAR KERATODERMA, AND CARDIAC ABNORMALITIES; CARDIOMYOPATHY, ARRHYTHMOGENIC RIGHT VENTRICULAR, WITH SKIN, HAIR, AND NAIL ABNORMALITIES; KERATOSIS PALMOPLANTARIS WITH ARRHYTHMOGENIC CARDIOMYOPATHY; MAL DE NAXOS; PALMOPLANTAR KERATODERMA WITH ARRHYTHMOGENIC RIGHT VENTRICULAR CARDIOMYOPATHY AND WOOLLY HAIR. Identifiers: Orphanet 34217, MedGen C1832600, MONDO:0011017, OMIM 601214.
Arrhythmogenic right ventricular dysplasia 12. Also called: ARRHYTHMOGENIC RIGHT VENTRICULAR DYSPLASIA, FAMILIAL, 12. Identifiers: MedGen C1969081, MONDO:0012684, OMIM 611528.

Submissions (2):

Labcorp Genetics (formerly Invitae), Labcorp
Classification: Uncertain significance for Arrhythmogenic right ventricular dysplasia 12; Naxos disease. Last evaluated: 2025-08-11. Review status: criteria provided, single submitter. Criteria: Invitae Variant Classification Sherloc (09022015). Collection method: clinical testing. Allele origin: germline.
Comment: This sequence change replaces threonine, which is neutral and polar, with asparagine, which is neutral and polar, at codon 248 of the JUP protein (p.Thr248Asn). This variant is not present in population databases (gnomAD no frequency). This variant has not been reported in the literature in individuals affected with JUP-related conditions. ClinVar contains an entry for this variant (Variation ID: 2625423). An algorithm developed to predict the effect of missense changes on protein structure and function (PolyPhen-2) suggests that this variant is likely to be disruptive. In summary, the available evidence is currently insufficient to determine the role of this variant in disease. Therefore, it has been classified as a Variant of Uncertain Significance.

Ambry Genetics
Classification: Uncertain significance for Cardiovascular phenotype. Last evaluated: 2023-08-24. Review status: criteria provided, single submitter. Criteria: Ambry Variant Classification Scheme 2023. Collection method: clinical testing. Allele origin: germline.
Comment: The p.T248N variant (also known as c.743C>A), located in coding exon 4 of the JUP gene, results from a C to A substitution at nucleotide position 743. The threonine at codon 248 is replaced by asparagine, an amino acid with similar properties. This amino acid position is highly conserved in available vertebrate species. In addition, the in silico prediction for this alteration is inconclusive. Since supporting evidence is limited at this time, the clinical significance of this alteration remains unclear.

NM_002230.4(JUP):c.743C>A (p.Thr248Asn)

Gene: JUP (junction plakoglobin; minus strand). Cytogenetic location: 17q21.2.
Variant type: single nucleotide variant.
Coding change: c.743C>A on transcript NM_002230.4 (MANE Select); coding-DNA position 743, C replaced by A.
Protein change: p.Thr248Asn; replaces threonine 248 with asparagine.
Molecular consequence: missense variant.
Genome position (GRCh38, 1-based): chr17:41,767,545, G>T on the plus strand (C>A on the coding strand, the complement: JUP is on the minus strand). VCF-style: chr17-41767545-G-T. GRCh37 (hg19) VCF-style: chr17-39923797-G-T.
Other names: c.743C>A, p.Thr248Asn (NM_001352773.2, NM_001352774.2, NM_001352775.2 and 3 more transcripts); short protein forms T248N.
Identifiers: ClinVar variation 2625423 (VCV002625423.5), dbSNP rs2544162537, ClinGen allele CA399501573.
Genomic context (GRCh38, chr17:41,767,545, plus strand): 5'-TCGGCCAGGCGCACGGCCATCTTGGCGCCCTCCTGGTACAGGAGCAGGTTGTGCAGCGTG[G>T]TGATGGCATAGAACAGGACCGACTCCACAGGGGAGCTGGGGGGGTGGGCAGGGGTTAGTA-3'
Protein context (NP_002221.1, residues 238-258): PVESVLFYAI[Thr248Asn]TLHNLLLYQE